The following is an entry in ClinVar:

ClinVar aggregate classification (germline): Uncertain significance. Review status: criteria provided, multiple submitters, no conflicts (2 of 4 stars). 2 submissions from 2 submitters: Uncertain significance (2). Last evaluated 2025-04-14.

Conditions:
Inborn genetic diseases. Identifiers: MedGen C0950123, MeSH D030342.

Allele frequency attached by ClinVar (database versions not stated): TOPMed below 0.00001; ExAC 0.00003.
gnomAD v4.1: 10 of 1,614,218 alleles (0.00062%); highest among the groups gnomAD compares: Admixed American, 0.015%; no homozygotes.

Submissions (2):

Labcorp Genetics (formerly Invitae), Labcorp
Classification: Uncertain significance. Last evaluated: 2025-04-14. Review status: criteria provided, single submitter. Criteria: Invitae Variant Classification Sherloc (09022015). Collection method: clinical testing. Allele origin: germline.
Comment: This sequence change replaces serine, which is neutral and polar, with proline, which is neutral and non-polar, at codon 248 of the POLR3A protein (p.Ser248Pro). This variant is present in population databases (rs762914859, gnomAD 0.03%). This variant has not been reported in the literature in individuals affected with POLR3A-related conditions. ClinVar contains an entry for this variant (Variation ID: 1932895). Invitae Evidence Modeling of protein sequence and biophysical properties (such as structural, functional, and spatial information, amino acid conservation, physicochemical variation, residue mobility, and thermodynamic stability) indicates that this missense variant is not expected to disrupt POLR3A protein function with a negative predictive value of 80%. In summary, the available evidence is currently insufficient to determine the role of this variant in disease. Therefore, it has been classified as a Variant of Uncertain Significance.

Ambry Genetics
Classification: Uncertain significance for Inborn genetic diseases. Last evaluated: 2024-07-14. Review status: criteria provided, single submitter. Criteria: Ambry Variant Classification Scheme 2023. Collection method: clinical testing. Allele origin: germline.

NM_007055.4(POLR3A):c.742T>C (p.Ser248Pro)

Gene: POLR3A (RNA polymerase III subunit A; minus strand). Cytogenetic location: 10q22.3.
Variant type: single nucleotide variant.
Coding change: c.742T>C on transcript NM_007055.4 (MANE Select); coding-DNA position 742, T replaced by C.
Protein change: p.Ser248Pro; replaces serine 248 with proline.
Molecular consequence: missense variant.
Genome position (GRCh38, 1-based): chr10:78,022,288, A>G on the plus strand (T>C on the coding strand, the complement: POLR3A is on the minus strand). VCF-style: chr10-78022288-A-G. GRCh37 (hg19) VCF-style: chr10-79782046-A-G.
Other names: c.742T>C (NM_007055.3); short protein forms S248P.
Identifiers: ClinVar variation 1932895 (VCV001932895.5), dbSNP rs762914859, ClinGen allele CA5571613.